The following is an entry in ClinVar:

ClinVar aggregate classification (germline): Uncertain significance. Review status: criteria provided, single submitter (1 of 4 stars). 2 submissions from 2 submitters: Uncertain significance (1). 1 of the submissions does not count toward it. Last evaluated 2026-05-27.

Conditions:
Mitochondrial DNA depletion syndrome 11 (MTDPS11). Identifiers: Orphanet 352447, MedGen C3554462, MONDO:0014039, OMIM 615084.

Allele frequency attached by ClinVar (database versions not stated): TOPMed below 0.00001; ExAC 0.00002; gnomAD exomes 0.00004 and 0.00001.
gnomAD v4.1: 14 of 1,614,078 alleles (0.00087%); highest among the groups gnomAD compares: Admixed American, 0.013%; no homozygotes.

Submissions (2):

Women's Health and Genetics/Laboratory Corporation of America, LabCorp
Classification: Uncertain significance. Last evaluated: 2026-05-27. Review status: criteria provided, single submitter. Criteria: LabCorp Variant Classification Summary - May 2015. Collection method: clinical testing. Allele origin: germline.
Comment: Variant summary: MGME1 c.698A>G (p.Tyr233Cys) results in a non-conservative amino acid change in the encoded protein sequence. Algorithms developed to predict the effect of missense changes on protein structure and function all suggest that this variant is likely to be disruptive. The variant allele was found at a frequency of 4e-05 in 251444 control chromosomes (gnomAD). This frequency is not significantly higher than estimated for disease-causing variants in MGME1, allowing no conclusion about variant significance. c.698A>G has been observed in at least one homozygous individual affected with mitochondrial syndrome characterized by external ophthalmoplegia, emaciation, and respiratory failure (Kornblum_2013). These data indicate that the variant may be associated with disease. At least one publication reports experimental evidence evaluating an impact on protein function, however, does not allow convincing conclusions about the variant effect (Kornblum_2013). The following publication have been ascertained in the context of this evaluation (PMID: 23313956). ClinVar contains an entry for this variant (Variation ID: 40052). Based on the evidence outlined above, the variant was classified as VUS-possibly pathogenic.

OMIM
Classification: Pathogenic for MITOCHONDRIAL DNA DEPLETION SYNDROME 11. Last evaluated: 2013-02-01. Review status: no assertion criteria provided. Collection method: literature only. Allele origin: germline. Not counted in ClinVar's aggregate classification.

Literature cited by the submitters: PubMed 23313956 (cited by Women's Health and Genetics/Laboratory Corporation of America, LabCorp and OMIM).

NM_052865.4(MGME1):c.698A>G (p.Tyr233Cys)

Gene: MGME1 (mitochondrial genome maintenance exonuclease 1; plus strand). Cytogenetic location: 20p11.23.
Variant type: single nucleotide variant.
Coding change: c.698A>G on transcript NM_052865.4 (MANE Select); coding-DNA position 698, A replaced by G.
Protein change: p.Tyr233Cys; replaces tyrosine 233 with cysteine.
Molecular consequence: missense variant. On other transcripts: intron variant (1).
Genome position (GRCh38, 1-based): chr20:17,975,870, A>G. VCF-style: chr20-17975870-A-G. GRCh37 (hg19) VCF-style: chr20-17956513-A-G.
Other names: c.743A>G, p.Tyr248Cys (NM_001310338.2); c.458A>G, p.Tyr153Cys (NM_001363738.2); c.511+5500A>G (NM_001310339.2); short protein forms Y233C, Y248C, Y153C.
Identifiers: ClinVar variation 40052 (VCV000040052.2), dbSNP rs587776944, ClinGen allele CA214407.